The following is an entry in ClinVar:

NM_006766.5(KAT6A):c.1757G>A (p.Ser586Asn)

Gene: KAT6A (lysine acetyltransferase 6A; minus strand). Cytogenetic location: 8p11.21.
Variant type: single nucleotide variant.
Coding change: c.1757G>A on transcript NM_006766.5 (MANE Select); coding-DNA position 1757, G replaced by A.
Protein change: p.Ser586Asn; replaces serine 586 with asparagine.
Molecular consequence: missense variant.
Genome position (GRCh38, 1-based): chr8:41,947,896, C>T on the plus strand (G>A on the coding strand, the complement: KAT6A is on the minus strand). VCF-style: chr8-41947896-C-T. GRCh37 (hg19) VCF-style: chr8-41805414-C-T.
Other names: c.1757G>A, p.Ser586Asn (NM_001305878.2); short protein forms S586N.
Identifiers: ClinVar variation 2756315 (VCV002756315.3), dbSNP rs927290012, ClinGen allele CA175949243.

ClinVar aggregate classification (germline): Uncertain significance (1 of 4 stars; one submission).

Allele frequency attached by ClinVar (database versions not stated): TOPMed below 0.00001.

Submission:

Labcorp Genetics (formerly Invitae), Labcorp
Classification: Uncertain significance. Last evaluated: 2023-09-24. Review status: criteria provided, single submitter. Criteria: Invitae Variant Classification Sherloc (09022015). Collection method: clinical testing. Allele origin: germline.
Comment: In summary, the available evidence is currently insufficient to determine the role of this variant in disease. Therefore, it has been classified as a Variant of Uncertain Significance. Algorithms developed to predict the effect of sequence changes on RNA splicing suggest that this variant may disrupt the consensus splice site. Advanced modeling of protein sequence and biophysical properties (such as structural, functional, and spatial information, amino acid conservation, physicochemical variation, residue mobility, and thermodynamic stability) has been performed at Invitae for this missense variant, however the output from this modeling did not meet the statistical confidence thresholds required to predict the impact of this variant on KAT6A protein function. This variant has not been reported in the literature in individuals affected with KAT6A-related conditions. This variant is not present in population databases (gnomAD no frequency). This sequence change replaces serine, which is neutral and polar, with asparagine, which is neutral and polar, at codon 586 of the KAT6A protein (p.Ser586Asn).